The following is an entry in ClinVar:

NM_001386795.1(DTNA):c.88A>T (p.Ile30Phe)

Genes: DTNA (dystrobrevin alpha; plus strand), DTNA-AS1 (DTNA antisense RNA 1; minus strand). Cytogenetic location: 18q12.1.
Variant type: single nucleotide variant.
Coding change: c.88A>T on transcript NM_001386795.1 (MANE Select); coding-DNA position 88, A replaced by T.
Protein change: p.Ile30Phe; replaces isoleucine 30 with phenylalanine.
Molecular consequence: missense variant.
Genome position (GRCh38, 1-based): chr18:34,765,981, A>T. VCF-style: chr18-34765981-A-T. GRCh37 (hg19) VCF-style: chr18-32345945-A-T.
Other names: c.88A>T, p.Ile30Phe (NM_001128175.2, NM_001198938.2, NM_001198939.2 and 35 more transcripts); short protein forms I30F.
Identifiers: ClinVar variation 1428717 (VCV001428717.8), dbSNP rs1480526218, ClinGen allele CA402274612.

ClinVar aggregate classification (germline): Uncertain significance (1 of 4 stars; one submission).

Conditions:
Left ventricular noncompaction 1 (LVNC1). Also called: LEFT VENTRICULAR NONCOMPACTION 1 WITH OR WITHOUT CONGENITAL HEART DEFECTS. Identifiers: Orphanet 54260, MedGen C1858725, MONDO:0011403, OMIM 604169.

Submission:

Labcorp Genetics (formerly Invitae), Labcorp
Classification: Uncertain significance for Left ventricular noncompaction 1. Last evaluated: 2022-08-16. Review status: criteria provided, single submitter. Criteria: Invitae Variant Classification Sherloc (09022015). Collection method: clinical testing. Allele origin: germline.
Comment: Algorithms developed to predict the effect of missense changes on protein structure and function are either unavailable or do not agree on the potential impact of this missense change (SIFT: "Deleterious"; PolyPhen-2: "Probably Damaging"; Align-GVGD: "Class C0"). In summary, the available evidence is currently insufficient to determine the role of this variant in disease. Therefore, it has been classified as a Variant of Uncertain Significance. ClinVar contains an entry for this variant (Variation ID: 1428717). This variant has not been reported in the literature in individuals affected with DTNA-related conditions. This variant is not present in population databases (gnomAD no frequency). This sequence change replaces isoleucine, which is neutral and non-polar, with phenylalanine, which is neutral and non-polar, at codon 30 of the DTNA protein (p.Ile30Phe).